The following is an entry in ClinVar:

NM_006506.5(RASA2):c.611+6A>G

Gene: RASA2 (RAS p21 protein activator 2; plus strand). Cytogenetic location: 3q23.
Variant type: single nucleotide variant.
Coding change: c.611+6A>G on transcript NM_006506.5 (MANE Select); 6 bases into the intron after coding-DNA position 611, A replaced by G.
Molecular consequence: intron variant.
Genome position (GRCh38, 1-based): chr3:141,553,946, A>G. VCF-style: chr3-141553946-A-G. GRCh37 (hg19) VCF-style: chr3-141272788-A-G.
Other names: c.611+6A>G (NM_001303245.3, NM_001303246.3).
Identifiers: ClinVar variation 2851434 (VCV002851434.3), dbSNP rs1045731373, ClinGen allele CA84637984.

ClinVar aggregate classification (germline): Uncertain significance (1 of 4 stars; one submission).

Allele frequency attached by ClinVar (database versions not stated): TOPMed 0.00001.

Submission:

Labcorp Genetics (formerly Invitae), Labcorp
Classification: Uncertain significance. Last evaluated: 2023-02-11. Review status: criteria provided, single submitter. Criteria: Invitae Variant Classification Sherloc (09022015). Collection method: clinical testing. Allele origin: germline.
Comment: Variants that disrupt the consensus splice site are a relatively common cause of aberrant splicing (PMID: 17576681, 9536098). Algorithms developed to predict the effect of sequence changes on RNA splicing suggest that this variant may create or strengthen a splice site. In summary, the available evidence is currently insufficient to determine the role of this variant in disease. Therefore, it has been classified as a Variant of Uncertain Significance. This variant has not been reported in the literature in individuals affected with RASA2-related conditions. This variant is not present in population databases (gnomAD no frequency). This sequence change falls in intron 6 of the RASA2 gene. It does not directly change the encoded amino acid sequence of the RASA2 protein. It affects a nucleotide within the consensus splice site.

Literature cited by the submitters: PubMed 17576681; PubMed 9536098.